The following is an entry in ClinVar:

ClinVar aggregate classification (germline): Uncertain significance (1 of 4 stars; one submission).

Conditions:
Fanconi anemia (FA). Also called: Fanconi's anemia. Identifiers: Orphanet 84, MedGen C0015625, MeSH D005199, MONDO:0019391.

gnomAD v4.1: 1 of 1,614,136 alleles (0.000062%); highest among the groups gnomAD compares: Non-Finnish European, 0.000085%; no homozygotes.

Submission:

Labcorp Genetics (formerly Invitae), Labcorp
Classification: Uncertain significance for Fanconi anemia. Last evaluated: 2023-06-05. Review status: criteria provided, single submitter. Criteria: Invitae Variant Classification Sherloc (09022015). Collection method: clinical testing. Allele origin: germline.
Comment: In summary, the available evidence is currently insufficient to determine the role of this variant in disease. Therefore, it has been classified as a Variant of Uncertain Significance. Advanced modeling of protein sequence and biophysical properties (such as structural, functional, and spatial information, amino acid conservation, physicochemical variation, residue mobility, and thermodynamic stability) performed at Invitae indicates that this missense variant is not expected to disrupt FANCD2 protein function. ClinVar contains an entry for this variant (Variation ID: 2191506). This variant has not been reported in the literature in individuals affected with FANCD2-related conditions. This variant is not present in population databases (gnomAD no frequency). This sequence change replaces valine, which is neutral and non-polar, with aspartic acid, which is acidic and polar, at codon 1052 of the FANCD2 protein (p.Val1052Asp).

NM_001018115.3(FANCD2):c.3155T>A (p.Val1052Asp)

Genes: FANCD2 (FA complementation group D2; plus strand), FANCD2OS (FANCD2 opposite strand; minus strand). Cytogenetic location: 3p25.3.
Variant type: single nucleotide variant.
Coding change: c.3155T>A on transcript NM_001018115.3 (MANE Select); coding-DNA position 3155, T replaced by A.
Protein change: p.Val1052Asp; replaces valine 1052 with aspartic acid.
Molecular consequence: missense variant. On other transcripts: 3 prime UTR variant (1).
Genome position (GRCh38, 1-based): chr3:10,081,395, T>A. VCF-style: chr3-10081395-T-A. GRCh37 (hg19) VCF-style: chr3-10123079-T-A.
Other names: c.*180A>T (NM_173472.2); c.3155T>A, p.Val1052Asp (NM_001319984.2, NM_001374254.1, NM_033084.6); c.3044T>A, p.Val1015Asp (NM_001374253.1); short protein forms V1052D, V1015D.
Identifiers: ClinVar variation 2191506 (VCV002191506.3), dbSNP rs754574116, ClinGen allele CA351748625.